The following is an entry in ClinVar:

NM_001130009.3(GEN1):c.1037T>G (p.Ile346Ser)

Gene: GEN1 (GEN1 Holliday junction 5' flap endonuclease; plus strand). Cytogenetic location: 2p24.2.
Variant type: single nucleotide variant.
Coding change: c.1037T>G on transcript NM_001130009.3 (MANE Select); coding-DNA position 1037, T replaced by G.
Protein change: p.Ile346Ser; replaces isoleucine 346 with serine.
Molecular consequence: missense variant.
Genome position (GRCh38, 1-based): chr2:17,773,265, T>G. VCF-style: chr2-17773265-T-G. GRCh37 (hg19) VCF-style: chr2-17954532-T-G.
Other names: c.1037T>G, p.Ile346Ser (NM_182625.5); short protein forms I346S.
Identifiers: ClinVar variation 4029264 (VCV004029264.1).
Genomic context (GRCh38, chr2:17,773,265, plus strand): 5'-TTTTTTCTTGCTAGGTTATTCAAGAATTCCTTTTAAACAAGGATAAATTGGTGAAGGTTA[T>G]CAGGTACCAAAGACCTGATTTGTTATTGTTTCAGGTATCTGAAAATAAATTCTTCTTTAC-3'
Protein context (NP_001123481.3, residues 336-356): LLNKDKLVKV[Ile346Ser]RYQRPDLLLF

ClinVar aggregate classification (germline): Uncertain significance (1 of 4 stars; one submission).

Submission:

Ambry Genetics
Classification: Uncertain significance. Last evaluated: 2025-05-02. Review status: criteria provided, single submitter. Criteria: Ambry Variant Classification Scheme 2023. Collection method: clinical testing. Allele origin: germline.
Comment: The p.I346S variant (also known as c.1037T>G), located in coding exon 9 of the GEN1 gene, results from a T to G substitution at nucleotide position 1037. The isoleucine at codon 346 is replaced by serine, an amino acid with dissimilar properties. This amino acid position is conserved. In addition, this alteration is predicted to be tolerated by in silico analysis. Based on the available evidence, the clinical significance of this variant remains unclear.